The following is an entry in ClinVar:

NM_006729.5(DIAPH2):c.2590-5C>T

Gene: DIAPH2 (diaphanous related formin 2; plus strand). Cytogenetic location: Xq21.33.
Variant type: single nucleotide variant.
Coding change: c.2590-5C>T on transcript NM_006729.5 (MANE Select); 5 bases into the intron before coding-DNA position 2590, C replaced by T.
Molecular consequence: intron variant.
Genome position (GRCh38, 1-based): chrX:97,141,660, C>T. VCF-style: chrX-97141660-C-T. GRCh37 (hg19) VCF-style: chrX-96396659-C-T.
Other names: c.2590-5C>T (NM_007309.4).
Identifiers: ClinVar variation 3041870 (VCV003041870.2), dbSNP rs363755, ClinGen allele CA10468436.

ClinVar aggregate classification (germline): Benign (0 of 4 stars; one submission).

Conditions:
DIAPH2-related disorder. Also called: DIAPH2-related condition.

Allele frequency attached by ClinVar (database versions not stated): 1000 Genomes Project 0.02543; 1000 Genomes Project 30x 0.02622; gnomAD 0.03610; TOPMed 0.03618; ESP Exome Variant Server 0.03750; ExAC 0.04016; gnomAD exomes 0.04346.
gnomAD v4.1: 50,638 of 1,182,088 alleles (4.3%); highest among the groups gnomAD compares: Non-Finnish European, 4.6%; 827 homozygotes.

Submission:

PreventionGenetics, part of Exact Sciences
Classification: Benign for DIAPH2-related condition. Last evaluated: 2019-10-21. Review status: no assertion criteria provided. Collection method: clinical testing. Allele origin: germline.
Comment: This variant is classified as benign based on ACMG/AMP sequence variant interpretation guidelines (Richards et al. 2015 PMID: 25741868, with internal and published modifications).